The following is an entry in ClinVar:

ClinVar aggregate classification (germline): Uncertain significance. Review status: criteria provided, multiple submitters, no conflicts (2 of 4 stars). 3 submissions from 3 submitters: Uncertain significance (3). Last evaluated 2024-06-26.

Conditions:
Inborn genetic diseases. Identifiers: MedGen C0950123, MeSH D030342.

Allele frequency attached by ClinVar (database versions not stated): ExAC 0.00002; gnomAD exomes 0.00002; ESP Exome Variant Server 0.00008; gnomAD 0.00010 and 0.00013; TOPMed 0.00016.
gnomAD v4.1: 22 of 1,614,046 alleles (0.0014%); highest among the groups gnomAD compares: African/African-American, 0.028%; no homozygotes.

Submissions (3):

Labcorp Genetics (formerly Invitae), Labcorp
Classification: Uncertain significance. Last evaluated: 2024-06-26. Review status: criteria provided, single submitter. Criteria: Invitae Variant Classification Sherloc (09022015). Collection method: clinical testing. Allele origin: germline.
Comment: This sequence change replaces leucine, which is neutral and non-polar, with phenylalanine, which is neutral and non-polar, at codon 338 of the NDUFA9 protein (p.Leu338Phe). This variant is present in population databases (rs371795183, gnomAD 0.05%). This variant has not been reported in the literature in individuals affected with NDUFA9-related conditions. ClinVar contains an entry for this variant (Variation ID: 214724). An algorithm developed to predict the effect of missense changes on protein structure and function (PolyPhen-2) suggests that this variant is likely to be disruptive. In summary, the available evidence is currently insufficient to determine the role of this variant in disease. Therefore, it has been classified as a Variant of Uncertain Significance.

Ambry Genetics
Classification: Uncertain significance for Inborn genetic diseases. Last evaluated: 2023-05-05. Review status: criteria provided, single submitter. Criteria: Ambry Variant Classification Scheme 2023. Collection method: clinical testing. Allele origin: germline.

GeneDx
Classification: Uncertain significance. Last evaluated: 2019-11-21. Review status: criteria provided, single submitter. Criteria: GeneDx Variant Classification Process June 2021. Collection method: clinical testing. Allele origin: germline. Affected: yes.
Comment: In silico analysis, which includes protein predictors and evolutionary conservation, supports a deleterious effect; Has not been previously published as pathogenic or benign to our knowledge

NM_005002.5(NDUFA9):c.1012C>T (p.Leu338Phe)

Gene: NDUFA9 (NADH:ubiquinone oxidoreductase subunit A9; plus strand). Cytogenetic location: 12p13.32.
Variant type: single nucleotide variant.
Coding change: c.1012C>T on transcript NM_005002.5 (MANE Select); coding-DNA position 1012, C replaced by T.
Protein change: p.Leu338Phe; replaces leucine 338 with phenylalanine.
Molecular consequence: missense variant.
Genome position (GRCh38, 1-based): chr12:4,686,986, C>T. VCF-style: chr12-4686986-C-T. GRCh37 (hg19) VCF-style: chr12-4796152-C-T.
Other names: short protein forms L338F.
Identifiers: ClinVar variation 214724 (VCV000214724.7), dbSNP rs371795183, ClinGen allele CA322173.